The following is an entry in ClinVar:

ClinVar aggregate classification (germline): Likely benign. Review status: criteria provided, multiple submitters, no conflicts (2 of 4 stars). 4 submissions from 4 submitters: Likely benign (4). Last evaluated 2025-05-09.

Conditions:
Aortic aneurysm, familial thoracic 4 (AAT4). Also called: AORTIC ANEURYSM/AORTIC DISSECTION AND PATENT DUCTUS ARTERIOSUS. Identifiers: MedGen C1851504, MONDO:0007568, OMIM 132900.
Familial thoracic aortic aneurysm and aortic dissection (TAAD). Also called: Thoracic aortic aneurysms and dissections. Identifiers: Orphanet 91387, MedGen C4707243, MONDO:0019625.

Allele frequency attached by ClinVar (database versions not stated): ExAC 0.00001; gnomAD 0.00001; gnomAD exomes 0.00001; TOPMed 0.00002.
gnomAD v4.1: 8 of 1,613,966 alleles (0.0005%); highest among the groups gnomAD compares: Non-Finnish European, 0.00068%; no homozygotes.

Submissions (4):

Labcorp Genetics (formerly Invitae), Labcorp
Classification: Likely benign for Aortic aneurysm, familial thoracic 4. Last evaluated: 2025-05-09. Review status: criteria provided, single submitter. Criteria: Invitae Variant Classification Sherloc (09022015). Collection method: clinical testing. Allele origin: germline.

Ambry Genetics
Classification: Likely benign for Familial thoracic aortic aneurysm and aortic dissection. Last evaluated: 2024-12-28. Review status: criteria provided, single submitter. Criteria: Ambry Variant Classification Scheme 2023. Collection method: clinical testing. Allele origin: germline.

All of Us Research Program, National Institutes of Health
Classification: Likely benign for Familial thoracic aortic aneurysm and aortic dissection. Last evaluated: 2023-12-13. Review status: criteria provided, single submitter. Criteria: ACMG Guidelines, 2015. Collection method: clinical testing. Allele origin: germline. Inheritance: Autosomal dominant inheritance. Observed: 4 variant alleles, 4 heterozygotes.
Comment: This study involves interpretation of variants in research participants for the purpose of population health screening. Participant phenotype was not available at the time of variant classification. Additional details can be found in publication PMID: 35346344, PMCID: PMC8962531

Color Diagnostics, LLC DBA Color Health
Classification: Likely benign for Familial thoracic aortic aneurysm and aortic dissection. Last evaluated: 2019-04-14. Review status: criteria provided, single submitter. Criteria: ACMG Guidelines, 2015. Collection method: clinical testing. Allele origin: germline.

NM_002474.3(MYH11):c.2364T>C (p.Asp788=)

Gene: MYH11 (myosin heavy chain 11; minus strand). Cytogenetic location: 16p13.11.
Variant type: single nucleotide variant.
Coding change: c.2364T>C on transcript NM_002474.3 (MANE Select); coding-DNA position 2364, T replaced by C.
Protein change: p.Asp788=; no amino-acid change (aspartic acid 788 retained).
Molecular consequence: synonymous variant.
Genome position (GRCh38, 1-based): chr16:15,747,617, A>G on the plus strand (T>C on the coding strand, the complement: MYH11 is on the minus strand). VCF-style: chr16-15747617-A-G. GRCh37 (hg19) VCF-style: chr16-15841474-A-G.
Other names: c.2364T>C (NM_002474.2); c.2385T>C, p.Asp795= (NM_001040113.2, NM_001040114.2); c.2364T>C, p.Asp788= (NM_022844.3).
Identifiers: ClinVar variation 923703 (VCV000923703.6), dbSNP rs747024924, ClinGen allele CA7922305.